The following is an entry in ClinVar:

NM_002617.4(PEX10):c.758G>A (p.Arg253His)

Gene: PEX10 (peroxisomal biogenesis factor 10; minus strand). Cytogenetic location: 1p36.32.
Variant type: single nucleotide variant.
Coding change: c.758G>A on transcript NM_002617.4 (MANE Select); coding-DNA position 758, G replaced by A.
Protein change: p.Arg253His; replaces arginine 253 with histidine.
Molecular consequence: missense variant. On other transcripts: non-coding transcript variant (1).
Genome position (GRCh38, 1-based): chr1:2,406,738, C>T on the plus strand (G>A on the coding strand, the complement: PEX10 is on the minus strand). VCF-style: chr1-2406738-C-T. GRCh37 (hg19) VCF-style: chr1-2338177-C-T.
Other names: c.815G>A, p.Arg272His (NM_001374425.1); c.383G>A, p.Arg128His (NM_001374426.1); c.326G>A, p.Arg109His (NM_001374427.1); c.818G>A, p.Arg273His (NM_153818.2); c.818G>A (NM_153818.1); short protein forms R273H, R253H, R109H, R128H, R272H.
Identifiers: ClinVar variation 596170 (VCV000596170.10), dbSNP rs750769868, ClinGen allele CA538047.

ClinVar aggregate classification (germline): Uncertain significance. Review status: criteria provided, multiple submitters, no conflicts (2 of 4 stars). 3 submissions from 3 submitters: Uncertain significance (3). Last evaluated 2026-05-08.

Conditions:
PEX10-related disorder. Also called: PEX10-related condition.
Peroxisome biogenesis disorder, complementation group 7 (CG7). Also called: Peroxisome biogenesis disorder, complementation group B. Identifiers: MedGen C1864399.

Allele frequency attached by ClinVar (database versions not stated): gnomAD 0.00002 and 0.00003; TOPMed 0.00003; gnomAD exomes 0.00004 and 0.00006; ExAC 0.00008.
gnomAD v4.1: 55 of 1,608,310 alleles (0.0034%); highest among the groups gnomAD compares: South Asian, 0.029%; 1 homozygote.

Submissions (3):

PreventionGenetics, part of Exact Sciences
Classification: Uncertain significance for PEX10-related condition. Last evaluated: 2026-05-08. Review status: criteria provided, single submitter. Criteria: ACMG Guidelines, 2015. Collection method: clinical testing. Allele origin: germline.
Comment: The PEX10 c.818G>A variant is predicted to result in the amino acid substitution p.Arg273His. To our knowledge, this variant has not been reported in the literature. This variant is reported in 0.027% of alleles in individuals of South Asian descent in gnomAD. At this time, the clinical significance of this variant is uncertain due to the absence of conclusive functional and genetic evidence.

Labcorp Genetics (formerly Invitae), Labcorp
Classification: Uncertain significance for Peroxisome biogenesis disorder, complementation group 7. Last evaluated: 2025-09-02. Review status: criteria provided, single submitter. Criteria: Invitae Variant Classification Sherloc (09022015). Collection method: clinical testing. Allele origin: germline.
Comment: This sequence change replaces arginine, which is basic and polar, with histidine, which is basic and polar, at codon 273 of the PEX10 protein (p.Arg273His). This variant is present in population databases (rs750769868, gnomAD 0.03%). This variant has not been reported in the literature in individuals affected with PEX10-related conditions. ClinVar contains an entry for this variant (Variation ID: 596170). An algorithm developed to predict the effect of missense changes on protein structure and function (PolyPhen-2) suggests that this variant is likely to be disruptive. In summary, the available evidence is currently insufficient to determine the role of this variant in disease. Therefore, it has been classified as a Variant of Uncertain Significance.

Eurofins Ntd Llc (ga)
Classification: Uncertain significance. Last evaluated: 2018-02-15. Review status: criteria provided, single submitter. Criteria: EGL ClinVar v180209 classification definitions. Collection method: clinical testing. Allele origin: germline. Observed: 1 variant allele, 1 heterozygote.